The following is an entry in ClinVar:

ClinVar aggregate classification (germline): Conflicting classifications of pathogenicity. Review status: criteria provided, conflicting classifications (1 of 4 stars). 2 submissions from 2 submitters: Uncertain significance (1); Likely benign (1). Last evaluated 2026-05-18.

Conditions:
PLXNA4-related disorder. Also called: PLXNA4-related condition.

Allele frequency attached by ClinVar (database versions not stated): gnomAD exomes 0.00006; ExAC 0.00007; gnomAD 0.00011; TOPMed 0.00011; 1000 Genomes Project 30x 0.00016; 1000 Genomes Project 0.00020.
gnomAD v4.1: 110 of 1,613,266 alleles (0.0068%); highest among the groups gnomAD compares: Non-Finnish European, 0.0084%; no homozygotes.

Submissions (2):

PreventionGenetics, part of Exact Sciences
Classification: Uncertain significance for PLXNA4-related condition. Last evaluated: 2026-05-18. Review status: criteria provided, single submitter. Criteria: ACMG Guidelines, 2015. Collection method: clinical testing. Allele origin: germline.
Comment: The PLXNA4 c.1549G>A variant is predicted to result in the amino acid substitution p.Gly517Ser. To our knowledge, this variant has not been reported in the literature. This variant is reported in 0.010% of alleles in individuals of European (Non-Finnish) descent in gnomAD. At this time, the clinical significance of this variant is uncertain due to the absence of conclusive functional and genetic evidence.

Ambry Genetics
Classification: Likely benign. Last evaluated: 2021-08-12. Review status: criteria provided, single submitter. Criteria: Ambry Variant Classification Scheme 2023. Collection method: clinical testing. Allele origin: germline.

NM_020911.2(PLXNA4):c.1549G>A (p.Gly517Ser)

Gene: PLXNA4 (plexin A4; minus strand). Cytogenetic location: 7q32.3.
Variant type: single nucleotide variant.
Coding change: c.1549G>A on transcript NM_020911.2 (MANE Select); coding-DNA position 1549, G replaced by A.
Protein change: p.Gly517Ser; replaces glycine 517 with serine.
Molecular consequence: missense variant.
Genome position (GRCh38, 1-based): chr7:132,241,121, C>T on the plus strand (G>A on the coding strand, the complement: PLXNA4 is on the minus strand). VCF-style: chr7-132241121-C-T. GRCh37 (hg19) VCF-style: chr7-131925880-C-T.
Other names: c.1549G>A, p.Gly517Ser (NM_001393897.1); short protein forms G517S.
Identifiers: ClinVar variation 2361993 (VCV002361993.6), dbSNP rs542202891, ClinGen allele CA4490102.